The following is an entry in ClinVar:

NM_001387690.1(KATNAL2):c.1211+6886T>C

Gene: KATNAL2 (katanin catalytic subunit A1 like 2; plus strand). Cytogenetic location: 18q21.1.
Variant type: single nucleotide variant.
Coding change: c.1211+6886T>C on transcript NM_001387690.1 (MANE Select); 6886 bases into the intron after coding-DNA position 1211, T replaced by C.
Molecular consequence: intron variant. On other transcripts: synonymous variant (1).
Genome position (GRCh38, 1-based): chr18:47,084,347, T>C. VCF-style: chr18-47084347-T-C. GRCh37 (hg19) VCF-style: chr18-44610718-T-C.
Other names: c.795T>C, p.Phe265= (NM_001353909.1); c.779+6886T>C (NM_001353904.1, NM_001353908.1); c.1289+6886T>C (NM_001353899.1); c.1286+6886T>C (NM_001353900.1); c.878+6886T>C (NM_001353903.1, NM_001353905.1, NM_001353906.1); c.1211+6886T>C (NM_001353901.1, NM_001367621.1); c.879-11T>C (NM_001353907.1); c.1190+6886T>C (NM_001353902.1); and 1 more.
Identifiers: ClinVar variation 3060275 (VCV003060275.2), dbSNP rs16954999, ClinGen allele CA8955258.

ClinVar aggregate classification (germline): Benign (0 of 4 stars; one submission).

Conditions:
KATNAL2-related disorder. Also called: KATNAL2-related condition.

Allele frequency attached by ClinVar (database versions not stated): 1000 Genomes Project 0.47784; 1000 Genomes Project 30x 0.48126; ExAC 0.50851; TOPMed 0.55285; gnomAD exomes 0.55767; gnomAD 0.56095.
gnomAD v4.1: 392,514 of 702,446 alleles (56%); highest among the groups gnomAD compares: Non-Finnish European, 59%; 111,537 homozygotes.

Submission:

PreventionGenetics, part of Exact Sciences
Classification: Benign for KATNAL2-related condition. Last evaluated: 2023-03-14. Review status: no assertion criteria provided. Collection method: clinical testing. Allele origin: germline.
Comment: This variant is classified as benign based on ACMG/AMP sequence variant interpretation guidelines (Richards et al. 2015 PMID: 25741868, with internal and published modifications).